The following is an entry in ClinVar:

NM_001360.3(DHCR7):c.952T>C (p.Tyr318His)

Gene: DHCR7 (7-dehydrocholesterol reductase; minus strand). Cytogenetic location: 11q13.4.
Variant type: single nucleotide variant.
Coding change: c.952T>C on transcript NM_001360.3 (MANE Select); coding-DNA position 952, T replaced by C.
Protein change: p.Tyr318His; replaces tyrosine 318 with histidine.
Molecular consequence: missense variant.
Genome position (GRCh38, 1-based): chr11:71,437,823, A>G on the plus strand (T>C on the coding strand, the complement: DHCR7 is on the minus strand). VCF-style: chr11-71437823-A-G. GRCh37 (hg19) VCF-style: chr11-71148869-A-G.
Other names: c.952T>C, p.Tyr318His (NM_001163817.2); short protein forms Y318H.
Identifiers: ClinVar variation 2149234 (VCV002149234.4), dbSNP rs1177326550, ClinGen allele CA381702898.
Genomic context (GRCh38, chr11:71,437,823, plus strand): 5'-CATGTGTCTGCCAAATGCCCCGCTGGGCCAGCTCTGCCCACCTCCTCACCTGCAGCGTGT[A>G]AAGATAAGGCAGCCAGACACAGTCGCCCCAGCCCAGGTACCACCCGAAGTGGTCATGGCA-3'
Protein context (NP_001351.2, residues 308-328): WGDCVWLPYL[Tyr318His]TLQGLYLVYH

ClinVar aggregate classification (germline): Likely pathogenic (1 of 4 stars; one submission).

Conditions:
Smith-Lemli-Opitz syndrome (SLOS). Also called: 7-Dehydrocholesterol reductase deficiency; LETHAL ACRODYSGENITAL SYNDROME; POLYDACTYLY, SEX REVERSAL, RENAL HYPOPLASIA, AND UNILOBAR LUNG; RSH SYNDROME; RUTLEDGE LETHAL MULTIPLE CONGENITAL ANOMALY SYNDROME. Identifiers: Orphanet 818, MedGen C0175694, MONDO:0010035, OMIM 270400.

Allele frequency attached by ClinVar (database versions not stated): TOPMed below 0.00001.
gnomAD v4.1: 1 of 1,613,922 alleles (0.000062%); highest among the groups gnomAD compares: Non-Finnish European, 0.000085%; no homozygotes.

Submission:

Labcorp Genetics (formerly Invitae), Labcorp
Classification: Likely pathogenic for Smith-Lemli-Opitz syndrome. Last evaluated: 2024-05-15. Review status: criteria provided, single submitter. Criteria: Invitae Variant Classification Sherloc (09022015). Collection method: clinical testing. Allele origin: germline.
Comment: This sequence change replaces tyrosine, which is neutral and polar, with histidine, which is basic and polar, at codon 318 of the DHCR7 protein (p.Tyr318His). This variant is not present in population databases (gnomAD no frequency). This variant has not been reported in the literature in individuals affected with DHCR7-related conditions. ClinVar contains an entry for this variant (Variation ID: 2149234). Advanced modeling of protein sequence and biophysical properties (such as structural, functional, and spatial information, amino acid conservation, physicochemical variation, residue mobility, and thermodynamic stability) performed at Invitae indicates that this missense variant is expected to disrupt DHCR7 protein function with a positive predictive value of 95%. This variant disrupts the p.Tyr318 amino acid residue in DHCR7. Other variant(s) that disrupt this residue have been determined to be pathogenic (PMID: 10995508; Invitae). This suggests that this residue is clinically significant, and that variants that disrupt this residue are likely to be disease-causing. In summary, the currently available evidence indicates that the variant is pathogenic, but additional data are needed to prove that conclusively. Therefore, this variant has been classified as Likely Pathogenic.

Literature cited by the submitters: PubMed 10995508.